The following is an entry in ClinVar:

NM_001365088.1(SLC12A6):c.528A>G (p.Lys176=)

Gene: SLC12A6 (solute carrier family 12 member 6; minus strand). Cytogenetic location: 15q14.
Variant type: single nucleotide variant.
Coding change: c.528A>G on transcript NM_001365088.1 (MANE Select); coding-DNA position 528, A replaced by G.
Protein change: p.Lys176=; no amino-acid change (lysine 176 retained).
Molecular consequence: synonymous variant.
Genome position (GRCh38, 1-based): chr15:34,258,828, T>C on the plus strand (A>G on the coding strand, the complement: SLC12A6 is on the minus strand). VCF-style: chr15-34258828-T-C. GRCh37 (hg19) VCF-style: chr15-34551029-T-C.
Other names: c.351A>G, p.Lys117= (NM_001042494.2, NM_001042495.2); c.501A>G, p.Lys167= (NM_001042496.2); c.483A>G, p.Lys161= (NM_001042497.2); c.375A>G, p.Lys125= (NM_005135.2); c.528A>G, p.Lys176= (NM_133647.2).
Identifiers: ClinVar variation 516661 (VCV000516661.17), dbSNP rs150922818, ClinGen allele CA7464552.

ClinVar aggregate classification (germline): Benign/Likely benign. Review status: criteria provided, multiple submitters, no conflicts (2 of 4 stars). 5 submissions from 5 submitters: Benign (2); Likely benign (2). 1 of the submissions does not count toward it. Last evaluated 2026-01-11.

Conditions:
SLC12A6-related disorder. Also called: SLC12A6-related condition.
Inborn genetic diseases. Identifiers: MedGen C0950123, MeSH D030342.
Agenesis of the corpus callosum with peripheral neuropathy (ACCPN). Also called: POLYNEUROPATHY, SENSORIMOTOR, WITH OR WITHOUT AGENESIS OF THE CORPUS CALLOSUM; CHARLEVOIX DISEASE; HMSN/ACC; Hereditary Motor and Sensory Neuropathy with Agenesis of the Corpus Callosum. Identifiers: Orphanet 1496, MedGen C0795950, MONDO:0000902, OMIM 218000. Disease mechanism: loss of function.

Allele frequency attached by ClinVar (database versions not stated): gnomAD exomes 0.00006 and 0.00016; ExAC 0.00023; ESP Exome Variant Server 0.00054; gnomAD 0.00058 and 0.00063; TOPMed 0.00073; 1000 Genomes Project 30x 0.00109; 1000 Genomes Project 0.00120.
gnomAD v4.1: 178 of 1,613,758 alleles (0.011%); highest among the groups gnomAD compares: African/African-American, 0.22%; no homozygotes.

Submissions (5):

Labcorp Genetics (formerly Invitae), Labcorp
Classification: Benign. Last evaluated: 2026-01-11. Review status: criteria provided, single submitter. Criteria: Invitae Variant Classification Sherloc (09022015). Collection method: clinical testing. Allele origin: germline.

Ambry Genetics
Classification: Likely benign for Inborn genetic diseases. Last evaluated: 2024-01-14. Review status: criteria provided, single submitter. Criteria: Ambry Variant Classification Scheme 2023. Collection method: clinical testing. Allele origin: germline.

Genome-Nilou Lab
Classification: Benign for Agenesis of the corpus callosum with peripheral neuropathy. Last evaluated: 2021-07-15. Review status: criteria provided, single submitter. Criteria: ACMG Guidelines, 2015. Collection method: clinical testing. Allele origin: germline. Affected: no.

GeneDx
Classification: Likely benign. Last evaluated: 2018-03-08. Review status: criteria provided, single submitter. Criteria: GeneDx Variant Classification (06012015). Collection method: clinical testing. Allele origin: germline. Affected: yes.
Comment: This variant is considered likely benign or benign based on one or more of the following criteria: it is a conservative change, it occurs at a poorly conserved position in the protein, it is predicted to be benign by multiple in silico algorithms, and/or has population frequency not consistent with disease.

PreventionGenetics, part of Exact Sciences
Classification: Likely benign for SLC12A6-related condition. Last evaluated: 2022-05-02. Review status: no assertion criteria provided. Collection method: clinical testing. Allele origin: germline. Not counted in ClinVar's aggregate classification.
Comment: This variant is classified as likely benign based on ACMG/AMP sequence variant interpretation guidelines (Richards et al. 2015 PMID: 25741868, with internal and published modifications).